The following is an entry in ClinVar:

ClinVar aggregate classification (germline): Uncertain significance. Review status: criteria provided, multiple submitters, no conflicts (2 of 4 stars). 2 submissions from 2 submitters: Uncertain significance (2). Last evaluated 2026-06-17.

Conditions:
Inborn genetic diseases. Identifiers: MedGen C0950123, MeSH D030342.

gnomAD v4.1: 1 of 1,572,388 alleles (0.000064%); highest among the groups gnomAD compares: Admixed American, 0.0021%; no homozygotes.

Submissions (2):

Ambry Genetics
Classification: Uncertain significance for Inborn genetic diseases. Last evaluated: 2026-06-17. Review status: criteria provided, single submitter. Criteria: Ambry Variant Classification Scheme 2023. Collection method: clinical testing. Allele origin: germline.

Labcorp Genetics (formerly Invitae), Labcorp
Classification: Uncertain significance. Last evaluated: 2025-09-28. Review status: criteria provided, single submitter. Criteria: Invitae Variant Classification Sherloc (09022015). Collection method: clinical testing. Allele origin: germline.
Comment: This sequence change replaces leucine, which is neutral and non-polar, with phenylalanine, which is neutral and non-polar, at codon 186 of the TNNI3K protein (p.Leu186Phe). This variant is not present in population databases (gnomAD no frequency). This variant has not been reported in the literature in individuals affected with TNNI3K-related conditions. Invitae Evidence Modeling of protein sequence and biophysical properties (such as structural, functional, and spatial information, amino acid conservation, physicochemical variation, residue mobility, and thermodynamic stability) has been performed for this missense variant. However, the output from this modeling did not meet the statistical confidence thresholds required to predict the impact of this variant on TNNI3K protein function. In summary, the available evidence is currently insufficient to determine the role of this variant in disease. Therefore, it has been classified as a Variant of Uncertain Significance.

NM_015978.3(TNNI3K):c.556C>T (p.Leu186Phe)

Genes: FPGT-TNNI3K (FPGT-TNNI3K readthrough; plus strand), TNNI3K (TNNI3 interacting kinase; plus strand). Cytogenetic location: 1p31.1.
Variant type: single nucleotide variant.
Coding change: c.556C>T on transcript NM_015978.3 (MANE Select); coding-DNA position 556, C replaced by T.
Protein change: p.Leu186Phe; replaces leucine 186 with phenylalanine.
Molecular consequence: missense variant.
Genome position (GRCh38, 1-based): chr1:74,336,023, C>T. VCF-style: chr1-74336023-C-T. GRCh37 (hg19) VCF-style: chr1-74801707-C-T.
Other names: c.859C>T, p.Leu287Phe (NM_001112808.3, NM_001199327.2); c.556C>T (NM_015978.2); short protein forms L186F, L287F.
Identifiers: ClinVar variation 4740053 (VCV004740053.2).